The following is an entry in ClinVar:

ClinVar aggregate classification (germline): Benign/Likely benign. Review status: criteria provided, multiple submitters, no conflicts (2 of 4 stars). 3 submissions from 3 submitters: Benign (1); Likely benign (1). 1 of the submissions does not count toward it. Last evaluated 2025-03-04.

Conditions:
Lynch syndrome 5 (LYNCH5). Also called: Colorectal cancer, hereditary nonpolyposis, type 5; Hereditary non-polyposis colorectal cancer, type 5. Identifiers: Orphanet 144, MedGen C1833477, MONDO:0013710, OMIM 614350. Disease mechanism: loss of function.

Submissions (3):

Center for Genomic Medicine, Rigshospitalet, Copenhagen University Hospital
Classification: Likely benign. Last evaluated: 2025-03-04. Review status: criteria provided, single submitter. Criteria: ACMG Guidelines, 2015. Collection method: clinical testing. Allele origin: germline.

Women's Health and Genetics/Laboratory Corporation of America, LabCorp
Classification: Benign. Last evaluated: 2017-04-20. Review status: criteria provided, single submitter. Criteria: LabCorp Variant Classification Summary - May 2015. Collection method: clinical testing. Allele origin: germline.
Comment: Variant summary: The MSH6 c.3556+36_3556+39delGTCA variant involves the deletion of 4 intronic nucleotides. One in silico tool predicts a benign outcome for this variant. 2/5 splice prediction tools predict no significant impact on normal splicing. However, these predictions have yet to be confirmed by functional studies. This variant was found in 18/120584 control chromosomes, predominantly observed in the African subpopulation at a frequency of 0.001646 (17/10328). This frequency is about 12 times the estimated maximal expected allele frequency of a pathogenic MSH6 variant (0.0001421), suggesting this is likely a benign polymorphism found primarily in the populations of African origin. In addition, one clinical diagnostic laboratory/reputable database has classified this variant as likely benign. The variant of interest has not, to our knowledge, been reported in affected individuals via publications nor evaluated for functional impact by in vivo/vitro studies. Taken together, this variant is classified as benign.

Counsyl
Classification: Likely benign for Lynch syndrome 5. Last evaluated: 2016-08-31. Review status: no assertion criteria provided. Collection method: clinical testing. Allele origin: unknown. Not counted in ClinVar's aggregate classification.

NM_000179.3(MSH6):c.3556+36_3556+39del

Gene: MSH6 (mutS homolog 6; plus strand). Cytogenetic location: 2p16.3.
Variant type: Deletion.
Coding change: c.3556+36_3556+39del on transcript NM_000179.3 (MANE Select); bases 36 to 39 of the intron after coding-DNA position 3556, 4 bases deleted (GTCA; older notation c.3556+36_3556+39delGTCA).
Molecular consequence: intron variant.
Genome position (GRCh38, 1-based): chr2:47,805,063-47,805,066, GTCA deleted; deleting any 4 consecutive bases within chr2:47,805,060-47,805,066 gives the same sequence; the c. name uses the placement nearest the transcript's 3' end. VCF-style (leftmost placement, unchanged base first): chr2-47805059-TTCAG-T. GRCh37 (hg19) VCF-style: chr2-48032198-TTCAG-T.
Other names: c.2650+36_2650+39del (NM_001281493.2, NM_001281494.2); c.3166+36_3166+39del (NM_001281492.2); c.3556+36_3556+39delGTCA (NM_000179.2, NM_000179.3).
Identifiers: ClinVar variation 371940 (VCV000371940.10), dbSNP rs55684722, ClinGen allele CA071232.
Genomic context (GRCh38, chr2:47,805,059, plus strand): 5'-ACTTGGTGCCTCAGACAGAATAATGTCAGGTGAGTTTTTTGTTTCCCACTTAAGTTCTCA[TTCAG>T]TCATTTAGATGTGATAAAAGATATTTGCTTCTTGTATATGAGCCTTTTAAATCTAATATT-3'